The following is an entry in ClinVar:

NM_138615.3(DHX30):c.1821C>T (p.Pro607=)

Gene: DHX30 (DExH-box helicase 30; plus strand). Cytogenetic location: 3p21.31.
Variant type: single nucleotide variant.
Coding change: c.1821C>T on transcript NM_138615.3 (MANE Select); coding-DNA position 1821, C replaced by T.
Protein change: p.Pro607=; no amino-acid change (proline 607 retained).
Molecular consequence: synonymous variant.
Genome position (GRCh38, 1-based): chr3:47,846,893, C>T. VCF-style: chr3-47846893-C-T. GRCh37 (hg19) VCF-style: chr3-47888383-C-T.
Other names: c.1737C>T, p.Pro579= (NM_001330990.2); c.1704C>T, p.Pro568= (NM_014966.4).
Identifiers: ClinVar variation 3050368 (VCV003050368.3), dbSNP rs760943698, ClinGen allele CA2369970.

ClinVar aggregate classification (germline): Likely benign. Review status: criteria provided, single submitter (1 of 4 stars). 2 submissions from 2 submitters: Likely benign (1). 1 of the submissions does not count toward it. Last evaluated 2026-07-01.

Conditions:
DHX30-related disorder. Also called: DHX30-related condition.

Allele frequency attached by ClinVar (database versions not stated): ExAC 0.00003; gnomAD 0.00011; TOPMed 0.00012.
gnomAD v4.1: 106 of 1,613,096 alleles (0.0066%); highest among the groups gnomAD compares: Admixed American, 0.05%; no homozygotes.

Submissions (2):

CeGaT Center for Human Genetics Tuebingen
Classification: Likely benign. Last evaluated: 2026-07-01. Review status: criteria provided, single submitter. Criteria: CeGaT Center For Human Genetics Tuebingen Variant Classification Criteria Version 2. Collection method: clinical testing. Allele origin: germline. Affected: yes. Observed: 1 variant allele.
Comment: DHX30: BP4, BP7

PreventionGenetics, part of Exact Sciences
Classification: Likely benign for DHX30-related condition. Last evaluated: 2019-07-15. Review status: no assertion criteria provided. Collection method: clinical testing. Allele origin: germline. Not counted in ClinVar's aggregate classification.
Comment: This variant is classified as likely benign based on ACMG/AMP sequence variant interpretation guidelines (Richards et al. 2015 PMID: 25741868, with internal and published modifications).